The following is an entry in ClinVar:

NM_000961.4(PTGIS):c.768G>A (p.Leu256=)

Gene: PTGIS (prostaglandin I2 synthase; minus strand). Cytogenetic location: 20q13.13.
Variant type: single nucleotide variant.
Coding change: c.768G>A on transcript NM_000961.4 (MANE Select); coding-DNA position 768, G replaced by A.
Protein change: p.Leu256=; no amino-acid change (leucine 256 retained).
Molecular consequence: synonymous variant.
Genome position (GRCh38, 1-based): chr20:49,524,145, C>T on the plus strand (G>A on the coding strand, the complement: PTGIS is on the minus strand). VCF-style: chr20-49524145-C-T. GRCh37 (hg19) VCF-style: chr20-48140682-C-T.
Identifiers: ClinVar variation 3056980 (VCV003056980.2), dbSNP rs5628, ClinGen allele CA9903505.

ClinVar aggregate classification (germline): Benign (0 of 4 stars; one submission).

Conditions:
PTGIS-related disorder. Also called: PTGIS-related condition.

Allele frequency attached by ClinVar (database versions not stated): gnomAD exomes 0.06644; ExAC 0.08115; ESP Exome Variant Server 0.09257; gnomAD 0.09590; TOPMed 0.10129; 1000 Genomes Project 0.12380; 1000 Genomes Project 30x 0.12726.
gnomAD v4.1: 112,168 of 1,614,182 alleles (6.9%); highest among the groups gnomAD compares: African/African-American, 16%; 4,589 homozygotes.

Submission:

PreventionGenetics, part of Exact Sciences
Classification: Benign for PTGIS-related condition. Last evaluated: 2019-10-21. Review status: no assertion criteria provided. Collection method: clinical testing. Allele origin: germline.
Comment: This variant is classified as benign based on ACMG/AMP sequence variant interpretation guidelines (Richards et al. 2015 PMID: 25741868, with internal and published modifications).